The following is an entry in ClinVar:

ClinVar aggregate classification (germline): Uncertain significance (1 of 4 stars; one submission).

Submission:

GeneDx
Classification: Uncertain significance. Last evaluated: 2023-03-29. Review status: criteria provided, single submitter. Criteria: GeneDx Variant Classification Process June 2021. Collection method: clinical testing. Allele origin: germline. Affected: yes.
Comment: Not observed at significant frequency in large population cohorts (gnomAD); In silico analysis supports that this missense variant does not alter protein structure/function; Has not been previously published as pathogenic or benign to our knowledge; Variants in candidate genes are classified as variants of uncertain significance in accordance with ACMG guidelines (Richards et al., 2015)

NM_015030.2(FRYL):c.4027C>T (p.Leu1343Phe)

Gene: FRYL (FRY like transcription coactivator; minus strand). Cytogenetic location: 4p11.
Variant type: single nucleotide variant.
Coding change: c.4027C>T on transcript NM_015030.2 (MANE Select); coding-DNA position 4027, C replaced by T.
Protein change: p.Leu1343Phe; replaces leucine 1343 with phenylalanine.
Molecular consequence: missense variant.
Genome position (GRCh38, 1-based): chr4:48,557,551, G>A on the plus strand (C>T on the coding strand, the complement: FRYL is on the minus strand). VCF-style: chr4-48557551-G-A. GRCh37 (hg19) VCF-style: chr4-48559568-G-A.
Other names: short protein forms L1343F.
Identifiers: ClinVar variation 3342940 (VCV003342940.1).